The following is an entry in ClinVar:

ClinVar aggregate classification (germline): Benign (1 of 4 stars; one submission).

Conditions:
SLC29A4-related disorder. Also called: SLC29A4-related condition.

gnomAD v4.1: 649 of 1,606,410 alleles (0.04%); highest among the groups gnomAD compares: African/African-American, 0.78%; 1 homozygote.

Submission:

PreventionGenetics, part of Exact Sciences
Classification: Benign for SLC29A4-related condition. Last evaluated: 2024-11-05. Review status: criteria provided, single submitter. Criteria: ACMG Guidelines, 2015. Collection method: clinical testing. Allele origin: germline.
Comment: This variant is classified as benign based on ACMG/AMP sequence variant interpretation guidelines (Richards et al. 2015 PMID: 25741868, with internal and published modifications).

NM_153247.4(SLC29A4):c.1555G>A (p.Ala519Thr)

Gene: SLC29A4 (solute carrier family 29 member 4; plus strand). Cytogenetic location: 7p22.1.
Variant type: single nucleotide variant.
Coding change: c.1555G>A on transcript NM_153247.4 (MANE Select); coding-DNA position 1555, G replaced by A.
Protein change: p.Ala519Thr; replaces alanine 519 with threonine.
Molecular consequence: missense variant.
Genome position (GRCh38, 1-based): chr7:5,302,901, G>A. VCF-style: chr7-5302901-G-A. GRCh37 (hg19) VCF-style: chr7-5342532-G-A.
Other names: c.1555G>A, p.Ala519Thr (NM_001040661.3); c.1513G>A, p.Ala505Thr (NM_001300847.3); short protein forms A505T, A519T.
Identifiers: ClinVar variation 4980589 (VCV004980589.1).